The following is an entry in ClinVar:

NM_004698.4(PRPF3):c.1311A>G (p.Gly437=)

Gene: PRPF3 (pre-mRNA processing factor 3; plus strand). Cytogenetic location: 1q21.2.
Variant type: single nucleotide variant.
Coding change: c.1311A>G on transcript NM_004698.4 (MANE Select); coding-DNA position 1311, A replaced by G.
Protein change: p.Gly437=; no amino-acid change (glycine 437 retained).
Molecular consequence: synonymous variant. On other transcripts: non-coding transcript variant (4).
Genome position (GRCh38, 1-based): chr1:150,343,337, A>G. VCF-style: chr1-150343337-A-G. GRCh37 (hg19) VCF-style: chr1-150315813-A-G.
Other names: c.906A>G, p.Gly302= (NM_001350529.1).
Identifiers: ClinVar variation 3697083 (VCV003697083.3).

ClinVar aggregate classification (germline): Uncertain significance. Review status: criteria provided, multiple submitters, no conflicts (2 of 4 stars). 2 submissions from 2 submitters: Uncertain significance (2). Last evaluated 2025-03-31.

Submissions (2):

Labcorp Genetics (formerly Invitae), Labcorp
Classification: Uncertain significance. Last evaluated: 2025-03-31. Review status: criteria provided, single submitter. Criteria: Invitae Variant Classification Sherloc (09022015). Collection method: clinical testing. Allele origin: germline.
Comment: This sequence change affects codon 437 of the PRPF3 mRNA. It is a 'silent' change, meaning that it does not change the encoded amino acid sequence of the PRPF3 protein. This variant is not present in population databases (gnomAD no frequency). This variant has not been reported in the literature in individuals affected with PRPF3-related conditions. Algorithms developed to predict the effect of sequence changes on RNA splicing suggest that this variant may disrupt the consensus splice site. In summary, the available evidence is currently insufficient to determine the role of this variant in disease. Therefore, it has been classified as a Variant of Uncertain Significance.

Blueprint Genetics
Classification: Uncertain significance. Last evaluated: 2018-02-20. Review status: criteria provided, single submitter. Criteria: ACMG Guidelines, 2015. Collection method: clinical testing. Allele origin: germline.